The following is an entry in ClinVar:

NM_000883.4(IMPDH1):c.935T>C (p.Leu312Pro)

Gene: IMPDH1 (inosine monophosphate dehydrogenase 1; minus strand). Cytogenetic location: 7q32.1.
Variant type: single nucleotide variant.
Coding change: c.935T>C on transcript NM_000883.4 (MANE Select); coding-DNA position 935, T replaced by C.
Protein change: p.Leu312Pro; replaces leucine 312 with proline.
Molecular consequence: missense variant.
Genome position (GRCh38, 1-based): chr7:128,398,553, A>G on the plus strand (T>C on the coding strand, the complement: IMPDH1 is on the minus strand). VCF-style: chr7-128398553-A-G. GRCh37 (hg19) VCF-style: chr7-128038607-A-G.
Other names: c.905T>C, p.Leu302Pro (NM_001102605.2); c.680T>C, p.Leu227Pro (NM_001142573.2); c.665T>C, p.Leu222Pro (NM_001142574.2); c.605T>C, p.Leu202Pro (NM_001142575.2); c.836T>C, p.Leu279Pro (NM_001142576.2); c.728T>C, p.Leu243Pro (NM_001304521.2); c.827T>C, p.Leu276Pro (NM_183243.3); short protein forms L276P, L279P, L302P, L202P, L222P, L243P, L312P, L227P.
Identifiers: ClinVar variation 2735088 (VCV002735088.3), dbSNP rs2535752498, ClinGen allele CA369169375.
Genomic context (GRCh38, chr7:128,398,553, plus strand): 5'-CCACAGAGCAGCTGCTTCTGGGAATCCTTGGAGGCCAGAGGGTAGTCTCGGTTCTTCTTC[A>G]GGTCGGTGCGGGCGATGATGGCCACCAGCTCATCGCAATCATTGACGATAGGCAGCTTCC-3'
Protein context (NP_000874.2, residues 302-322): ELVAIIARTD[Leu312Pro]KKNRDYPLAS

ClinVar aggregate classification (germline): Uncertain significance (1 of 4 stars; one submission).

Submission:

Labcorp Genetics (formerly Invitae), Labcorp
Classification: Uncertain significance. Last evaluated: 2022-12-10. Review status: criteria provided, single submitter. Criteria: Invitae Variant Classification Sherloc (09022015). Collection method: clinical testing. Allele origin: germline.
Comment: In summary, the available evidence is currently insufficient to determine the role of this variant in disease. Therefore, it has been classified as a Variant of Uncertain Significance. Algorithms developed to predict the effect of missense changes on protein structure and function (SIFT, PolyPhen-2, Align-GVGD) all suggest that this variant is likely to be disruptive. This missense change has been observed in individuals with clinical features of autosomal dominant retinitis pigmentosa (PMID: 16038673, 31054281; Invitae). It has also been observed to segregate with disease in related individuals. This variant is not present in population databases (gnomAD no frequency). This sequence change replaces leucine, which is neutral and non-polar, with proline, which is neutral and non-polar, at codon 312 of the IMPDH1 protein (p.Leu312Pro).

Literature cited by the submitters: PubMed 16038673; PubMed 31054281.